The following is an entry in ClinVar:

NM_001197104.2(KMT2A):c.2848C>T (p.Leu950Phe)

Gene: KMT2A (lysine methyltransferase 2A; plus strand). Cytogenetic location: 11q23.3.
Variant type: single nucleotide variant.
Coding change: c.2848C>T on transcript NM_001197104.2 (MANE Select); coding-DNA position 2848, C replaced by T.
Protein change: p.Leu950Phe; replaces leucine 950 with phenylalanine.
Molecular consequence: missense variant.
Genome position (GRCh38, 1-based): chr11:118,474,007, C>T. VCF-style: chr11-118474007-C-T. GRCh37 (hg19) VCF-style: chr11-118344722-C-T.
Other names: c.2947C>T, p.Leu983Phe (NM_001412597.1); c.2848C>T, p.Leu950Phe (NM_005933.4); short protein forms L983F, L950F.
Identifiers: ClinVar variation 4782087 (VCV004782087.1).
Genomic context (GRCh38, chr11:118,474,007, plus strand): 5'-GCAACAGGGCGGAAGAAGTCTTCATCACATGATTCTGGGACTGATATTACTTCTGTGACT[C>T]TTGGGGATACAACAGCTGTCAAAACCAAAATACTTATAAAGAAAGGGAGAGGAAATCTGG-3'
Protein context (NP_001184033.1, residues 940-960): DSGTDITSVT[Leu950Phe]GDTTAVKTKI

ClinVar aggregate classification (germline): Uncertain significance (1 of 4 stars; one submission).

gnomAD v4.1: 2 of 1,613,694 alleles (0.00012%); highest among the groups gnomAD compares: Non-Finnish European, 0.00017%; no homozygotes.

Submission:

Labcorp Genetics (formerly Invitae), Labcorp
Classification: Uncertain significance. Last evaluated: 2025-10-09. Review status: criteria provided, single submitter. Criteria: Invitae Variant Classification Sherloc (09022015). Collection method: clinical testing. Allele origin: germline.
Comment: This sequence change replaces leucine, which is neutral and non-polar, with phenylalanine, which is neutral and non-polar, at codon 950 of the KMT2A protein (p.Leu950Phe). This variant is present in population databases (no rsID available, gnomAD 0.007%). This missense change has been observed in individual(s) with clinical features of Wiedemann-Steiner syndrome (PMID: 21607748). Invitae Evidence Modeling of protein sequence and biophysical properties (such as structural, functional, and spatial information, amino acid conservation, physicochemical variation, residue mobility, and thermodynamic stability) has been performed for this missense variant. However, the output from this modeling did not meet the statistical confidence thresholds required to predict the impact of this variant on KMT2A protein function. In summary, the available evidence is currently insufficient to determine the role of this variant in disease. Therefore, it has been classified as a Variant of Uncertain Significance.

Literature cited by the submitters: PubMed 21607748.